The following is an entry in ClinVar:

ClinVar aggregate classification (germline): Pathogenic (1 of 4 stars; one submission).

Conditions:
Hypertrophic cardiomyopathy. Also called: HYPERTROPHIC MYOCARDIOPATHY. Identifiers: Orphanet 217569, MedGen C0007194, MeSH D002312, MONDO:0005045, HP:0001639.

Submission:

Labcorp Genetics (formerly Invitae), Labcorp
Classification: Pathogenic for Hypertrophic cardiomyopathy. Last evaluated: 2023-06-22. Review status: criteria provided, single submitter. Criteria: Invitae Variant Classification Sherloc (09022015). Collection method: clinical testing. Allele origin: unknown.
Comment: This variant is a gross deletion of the genomic region encompassing exon(s) 26-34 of the MYBPC3 gene, which includes the termination codon. This deletion extends beyond the assayed region for this gene and therefore may encompass additional genes. While this deletion is not anticipated to lead to nonsense mediated decay, it is expected to alter mRNA translation or result in a truncated protein product. For these reasons, this variant has been classified as Pathogenic. This variant disrupts a region of the MYBPC3 protein in which other variant(s) (p.Arg1271*) have been determined to be pathogenic (PMID: 18533079, 19574547, 23396983, 27532257). This suggests that this is a clinically significant region of the protein, and that variants that disrupt it are likely to be disease-causing. This variant has not been reported in the literature in individuals affected with MYBPC3-related conditions.

Literature cited by the submitters: PubMed 18533079; PubMed 19574547; PubMed 23396983; PubMed 27532257.

NC_000011.9:g.(?_47353422)_(47357582_?)del

Gene: MYBPC3 (myosin binding protein C3; minus strand). Cytogenetic location: 11p11.2.
Variant type: Deletion.
Identifiers: ClinVar variation 3244524 (VCV003244524.1).